The following is an entry in ClinVar:

NM_007254.4(PNKP):c.1386+41_1386+42del

Gene: PNKP (polynucleotide kinase 3'-phosphatase; minus strand). Cytogenetic location: 19q13.33.
Variant type: Deletion.
Coding change: c.1386+41_1386+42del on transcript NM_007254.4 (MANE Select); bases 41 to 42 of the intron after coding-DNA position 1386, 2 bases deleted (CT; older notation c.1386+41_1386+42delCT).
Molecular consequence: intron variant.
Genome position (GRCh38, 1-based): chr19:49,861,566-49,861,567, AG deleted on the plus strand (CT on the coding strand, the reverse complement: PNKP is on the minus strand). VCF-style (leftmost placement, unchanged base first): chr19-49861565-CAG-C. GRCh37 (hg19) VCF-style: chr19-50364822-CAG-C.
Other names: c.1386+41_1386+42delCT (NM_007254.3).
Identifiers: ClinVar variation 1558407 (VCV001558407.10), dbSNP rs765720389, ClinGen allele CA9586425.
Genomic context (GRCh38, chr19:49,861,565, plus strand): 5'-TCGAAACTGTGGGGAACATCAGAGGGGCGGCAGGCCCAGGGGTCAGGGGAGGAGGGGGGT[CAG>C]GGGGTGCAGCCCGGGGGGTGTCCGGGCTGAGCGGGCTCACCCGGTTGTTGTGGCGCGCCT-3'

ClinVar aggregate classification (germline): Likely benign. Review status: criteria provided, single submitter (1 of 4 stars). 2 submissions from 2 submitters: Likely benign (1). 1 of the submissions does not count toward it. Last evaluated 2025-11-17.

Conditions:
Developmental and epileptic encephalopathy, 12 (DEE12). Identifiers: MedGen C3150988, MONDO:0013389, OMIM 613722.
PNKP-related disorder. Also called: PNKP-related condition; PNKP-related disorders.

Allele frequency attached by ClinVar (database versions not stated): gnomAD 0.00027 and 0.00030; gnomAD exomes 0.00073; ExAC 0.00136.

Submissions (2):

Labcorp Genetics (formerly Invitae), Labcorp
Classification: Likely benign for Developmental and epileptic encephalopathy, 12. Last evaluated: 2025-11-17. Review status: criteria provided, single submitter. Criteria: Invitae Variant Classification Sherloc (09022015). Collection method: clinical testing. Allele origin: germline.

PreventionGenetics, part of Exact Sciences
Classification: Likely benign for PNKP-related condition. Last evaluated: 2019-04-10. Review status: no assertion criteria provided. Collection method: clinical testing. Allele origin: germline. Not counted in ClinVar's aggregate classification.
Comment: This variant is classified as likely benign based on ACMG/AMP sequence variant interpretation guidelines (Richards et al. 2015 PMID: 25741868, with internal and published modifications).